The following is an entry in ClinVar:

ClinVar aggregate classification (germline): Uncertain significance (1 of 4 stars; one submission).

Allele frequency attached by ClinVar (database versions not stated): ExAC 0.00001; gnomAD 0.00001; gnomAD exomes 0.00001 and 0.00002; TOPMed 0.00001.
gnomAD v4.1: 4 of 1,611,612 alleles (0.00025%); highest among the groups gnomAD compares: Admixed American, 0.0067%; no homozygotes.

Submission:

Labcorp Genetics (formerly Invitae), Labcorp
Classification: Uncertain significance. Last evaluated: 2025-08-16. Review status: criteria provided, single submitter. Criteria: Invitae Variant Classification Sherloc (09022015). Collection method: clinical testing. Allele origin: germline.
Comment: This sequence change replaces histidine, which is basic and polar, with tyrosine, which is neutral and polar, at codon 788 of the DNA2 protein (p.His788Tyr). This variant is present in population databases (rs748556014, gnomAD 0.009%). This variant has not been reported in the literature in individuals affected with DNA2-related conditions. ClinVar contains an entry for this variant (Variation ID: 1425123). Invitae Evidence Modeling of protein sequence and biophysical properties (such as structural, functional, and spatial information, amino acid conservation, physicochemical variation, residue mobility, and thermodynamic stability) indicates that this missense variant is expected to disrupt DNA2 protein function with a positive predictive value of 80%. In summary, the available evidence is currently insufficient to determine the role of this variant in disease. Therefore, it has been classified as a Variant of Uncertain Significance.

NM_001080449.3(DNA2):c.2362C>T (p.His788Tyr)

Gene: DNA2 (DNA replication helicase/nuclease 2; minus strand). Cytogenetic location: 10q21.3.
Variant type: single nucleotide variant.
Coding change: c.2362C>T on transcript NM_001080449.3 (MANE Select); coding-DNA position 2362, C replaced by T.
Protein change: p.His788Tyr; replaces histidine 788 with tyrosine.
Molecular consequence: missense variant. On other transcripts: non-coding transcript variant (1).
Genome position (GRCh38, 1-based): chr10:68,422,737, G>A on the plus strand (C>T on the coding strand, the complement: DNA2 is on the minus strand). VCF-style: chr10-68422737-G-A. GRCh37 (hg19) VCF-style: chr10-70182494-G-A.
Other names: short protein forms H788Y.
Identifiers: ClinVar variation 1425123 (VCV001425123.6), dbSNP rs748556014, ClinGen allele CA5524841.
Genomic context (GRCh38, chr10:68,422,737, plus strand): 5'-ACACTTAAGTGTCTGCCTACCTTGCTTCACGGTTTAGCACCAGGGGAGGAAGCTGCTGAT[G>A]GTCCCCCACTAACACAAATCTCCGTGAAAAAAAAAGGGGGCCCAGACAAATTGGTTGGCT-3'
Protein context (NP_001073918.2, residues 778-798): FSRRFVLVGD[His788Tyr]QQLPPLVLNR